The following is an entry in ClinVar:

NM_030973.4(MED25):c.124C>T (p.Pro42Ser)

Gene: MED25 (mediator complex subunit 25; plus strand). Cytogenetic location: 19q13.33.
Variant type: single nucleotide variant.
Coding change: c.124C>T on transcript NM_030973.4 (MANE Select); coding-DNA position 124, C replaced by T.
Protein change: p.Pro42Ser; replaces proline 42 with serine.
Molecular consequence: missense variant.
Genome position (GRCh38, 1-based): chr19:49,818,465, C>T. VCF-style: chr19-49818465-C-T. GRCh37 (hg19) VCF-style: chr19-50321722-C-T.
Other names: c.124C>T, p.Pro42Ser (NM_001378355.1); short protein forms P42S.
Identifiers: ClinVar variation 949019 (VCV000949019.10), dbSNP rs199588409, ClinGen allele CA309504115.

ClinVar aggregate classification (germline): Uncertain significance. Review status: criteria provided, multiple submitters, no conflicts (2 of 4 stars). 2 submissions from 2 submitters: Uncertain significance (2). Last evaluated 2025-01-14.

Conditions:
Inborn genetic diseases. Identifiers: MedGen C0950123, MeSH D030342.
Charcot-Marie-Tooth disease type 2. Also called: Charcot-Marie-Tooth type 2. Identifiers: Orphanet 64746, MedGen C0270914, MONDO:0018993.

Allele frequency attached by ClinVar (database versions not stated): gnomAD exomes below 0.00001; TOPMed 0.00001.
gnomAD v4.1: 8 of 1,614,204 alleles (0.0005%); highest among the groups gnomAD compares: African/African-American, 0.0013%; no homozygotes.

Submissions (2):

Ambry Genetics
Classification: Uncertain significance for Inborn genetic diseases. Last evaluated: 2025-01-14. Review status: criteria provided, single submitter. Criteria: Ambry Variant Classification Scheme 2023. Collection method: clinical testing. Allele origin: germline.

Labcorp Genetics (formerly Invitae), Labcorp
Classification: Uncertain significance for Charcot-Marie-Tooth disease type 2. Last evaluated: 2023-07-14. Review status: criteria provided, single submitter. Criteria: Invitae Variant Classification Sherloc (09022015). Collection method: clinical testing. Allele origin: germline.
Comment: This variant has not been reported in the literature in individuals affected with MED25-related conditions. In summary, the available evidence is currently insufficient to determine the role of this variant in disease. Therefore, it has been classified as a Variant of Uncertain Significance. An algorithm developed to predict the effect of missense changes on protein structure and function (PolyPhen-2) suggests that this variant is likely to be disruptive. ClinVar contains an entry for this variant (Variation ID: 949019). This variant is present in population databases (rs199588409, gnomAD 0.007%). This sequence change replaces proline, which is neutral and non-polar, with serine, which is neutral and polar, at codon 42 of the MED25 protein (p.Pro42Ser).